The following is an entry in ClinVar:

NM_001286.5(CLCN6):c.2325C>A (p.Ala775=)

Gene: CLCN6 (Cl-/H+ antiporter 6; plus strand). Cytogenetic location: 1p36.22.
Variant type: single nucleotide variant.
Coding change: c.2325C>A on transcript NM_001286.5 (MANE Select); coding-DNA position 2325, C replaced by A.
Protein change: p.Ala775=; no amino-acid change (alanine 775 retained).
Molecular consequence: synonymous variant. On other transcripts: non-coding transcript variant (1).
Genome position (GRCh38, 1-based): chr1:11,838,364, C>A. VCF-style: chr1-11838364-C-A. GRCh37 (hg19) VCF-style: chr1-11898421-C-A.
Other names: c.2259C>A, p.Ala753= (NM_001256959.2).
Identifiers: ClinVar variation 2766617 (VCV002766617.4), dbSNP rs762797912, ClinGen allele CA416104518.

ClinVar aggregate classification (germline): Uncertain significance (1 of 4 stars; one submission).

gnomAD v4.1: 7 of 1,612,634 alleles (0.00043%); highest among the groups gnomAD compares: Non-Finnish European, 0.00059%; no homozygotes.

Submissions (2):

Labcorp Genetics (formerly Invitae), Labcorp
Classification: Uncertain significance. Last evaluated: 2023-10-07. Review status: criteria provided, single submitter. Criteria: Invitae Variant Classification Sherloc (09022015). Collection method: clinical testing. Allele origin: germline.
Comment: This sequence change affects codon 775 of the CLCN6 mRNA. It is a 'silent' change, meaning that it does not change the encoded amino acid sequence of the CLCN6 protein. This variant is not present in population databases (gnomAD no frequency). This variant has not been reported in the literature in individuals affected with CLCN6-related conditions. Algorithms developed to predict the effect of sequence changes on RNA splicing suggest that this variant may create or strengthen a splice site. In summary, the available evidence is currently insufficient to determine the role of this variant in disease. Therefore, it has been classified as a Variant of Uncertain Significance.

Dr. Peter K. Rogan Lab, Western University
No classification provided (evidence only). Condition: Papillary renal cell carcinoma type 1. Review status: no classification provided. Collection method: in vitro. Allele origin: not applicable. Functional consequence: retained intron. Not counted in ClinVar's aggregate classification.